The following is an entry in ClinVar:

NM_004260.4(RECQL4):c.436G>A (p.Gly146Arg)

Gene: RECQL4 (RecQ like helicase 4; minus strand). Cytogenetic location: 8q24.3.
Variant type: single nucleotide variant.
Coding change: c.436G>A on transcript NM_004260.4 (MANE Select); coding-DNA position 436, G replaced by A.
Protein change: p.Gly146Arg; replaces glycine 146 with arginine.
Molecular consequence: missense variant.
Genome position (GRCh38, 1-based): chr8:144,516,683, C>T on the plus strand (G>A on the coding strand, the complement: RECQL4 is on the minus strand). VCF-style: chr8-144516683-C-T. GRCh37 (hg19) VCF-style: chr8-145742067-C-T.
Other names: short protein forms G146R.
Identifiers: ClinVar variation 854186 (VCV000854186.6), dbSNP rs1815085488, ClinGen allele CA372691496.

ClinVar aggregate classification (germline): Conflicting classifications of pathogenicity. Review status: criteria provided, conflicting classifications (1 of 4 stars). 2 submissions from 2 submitters: Uncertain significance (1); Likely benign (1). Last evaluated 2025-04-01.

Conditions:
Baller-Gerold syndrome (BGS). Also called: CRANIOSYNOSTOSIS WITH RADIAL DEFECTS. Identifiers: Orphanet 1225, MedGen C0265308, MONDO:0009039, OMIM 218600.
Inborn genetic diseases. Identifiers: MedGen C0950123, MeSH D030342.

Allele frequency attached by ClinVar (database versions not stated): gnomAD exomes below 0.00001.
gnomAD v4.1: 3 of 1,577,914 alleles (0.00019%); highest among the groups gnomAD compares: Non-Finnish European, 0.00026%; no homozygotes.

Submissions (2):

Ambry Genetics
Classification: Likely benign for Inborn genetic diseases. Last evaluated: 2025-04-01. Review status: criteria provided, single submitter. Criteria: Ambry Variant Classification Scheme 2023. Collection method: clinical testing. Allele origin: germline.

Labcorp Genetics (formerly Invitae), Labcorp
Classification: Uncertain significance for Baller-Gerold syndrome. Last evaluated: 2023-03-18. Review status: criteria provided, single submitter. Criteria: Invitae Variant Classification Sherloc (09022015). Collection method: clinical testing. Allele origin: germline.
Comment: This variant is not present in population databases (gnomAD no frequency). This sequence change replaces glycine, which is neutral and non-polar, with arginine, which is basic and polar, at codon 146 of the RECQL4 protein (p.Gly146Arg). This variant has not been reported in the literature in individuals affected with RECQL4-related conditions. In summary, the available evidence is currently insufficient to determine the role of this variant in disease. Therefore, it has been classified as a Variant of Uncertain Significance. Advanced modeling of protein sequence and biophysical properties (such as structural, functional, and spatial information, amino acid conservation, physicochemical variation, residue mobility, and thermodynamic stability) performed at Invitae indicates that this missense variant is not expected to disrupt RECQL4 protein function. ClinVar contains an entry for this variant (Variation ID: 854186).